The following is an entry in ClinVar:

NC_000002.11:g.(?_69573016)_(69575486_?)del

Gene: GFPT1 (glutamine--fructose-6-phosphate transaminase 1; minus strand). Cytogenetic location: 2p13.3.
Variant type: Deletion.
Identifiers: ClinVar variation 2424022 (VCV002424022.4).

ClinVar aggregate classification (germline): Pathogenic (1 of 4 stars; one submission).

Conditions:
Congenital myasthenic syndrome 12 (CMS12). Also called: Myasthenia, congenital, 12, with tubular aggregates; MYASTHENIC SYNDROME, CONGENITAL, WITH TUBULAR AGGREGATES 1. Identifiers: Orphanet 353327, Orphanet 590, MedGen C3552335, MONDO:0012518, OMIM 610542.

Submission:

Labcorp Genetics (formerly Invitae), Labcorp
Classification: Pathogenic for Congenital myasthenic syndrome 12. Last evaluated: 2022-12-02. Review status: criteria provided, single submitter. Criteria: Invitae Variant Classification Sherloc (09022015). Collection method: clinical testing. Allele origin: germline.
Comment: For these reasons, this variant has been classified as Pathogenic. This variant has not been reported in the literature in individuals affected with GFPT1-related conditions. This variant is a gross deletion of the genomic region encompassing exon(s) 11-12 of the GFPT1 gene. This deletion is out-of-frame, and is expected to create a premature termination codon and result in an absent or disrupted protein product. Loss-of-function variants in GFPT1 are known to be pathogenic (PMID: 23794683).

Literature cited by the submitters: PubMed 23794683.